The following is an entry in ClinVar:

ClinVar aggregate classification (germline): Likely pathogenic (1 of 4 stars; one submission).

Submission:

Labcorp Genetics (formerly Invitae), Labcorp
Classification: Likely pathogenic. Last evaluated: 2022-08-29. Review status: criteria provided, single submitter. Criteria: Invitae Variant Classification Sherloc (09022015). Collection method: clinical testing. Allele origin: germline.
Comment: In summary, the currently available evidence indicates that the variant is pathogenic, but additional data are needed to prove that conclusively. Therefore, this variant has been classified as Likely Pathogenic. Algorithms developed to predict the effect of sequence changes on RNA splicing suggest that this variant may disrupt the consensus splice site. This variant has not been reported in the literature in individuals affected with COL7A1-related conditions. This variant is not present in population databases (gnomAD no frequency). This sequence change affects a donor splice site in intron 78 of the COL7A1 gene. It is expected to disrupt splicing. Variants that disrupt the donor or acceptor splice site typically lead to a loss of protein function (PMID: 16199547), and loss-of-function variants in COL7A1 are known to be disease-causing for autosomal recessive dystrophic epidermolysis bullosa (PMID: 16971478). However, certain variants affecting donor or acceptor splice sites in the triple helical domain of COL7A1 are expected to result in in-frame exon skipping and have been reported to cause autosomal dominant dystrophic epidermolysis bullosa (PMID: 31670143).

Literature cited by the submitters: PubMed 16199547; PubMed 16971478; PubMed 31670143.

NM_000094.4(COL7A1):c.6456+2T>C

Gene: COL7A1 (collagen type VII alpha 1 chain; minus strand). Cytogenetic location: 3p21.31.
Variant type: single nucleotide variant.
Coding change: c.6456+2T>C on transcript NM_000094.4 (MANE Select); the canonical splice donor site of the intron after coding-DNA position 6456, T replaced by C.
Molecular consequence: splice donor variant.
Genome position (GRCh38, 1-based): chr3:48,574,486, A>G on the plus strand (T>C on the coding strand, the complement: COL7A1 is on the minus strand). VCF-style: chr3-48574486-A-G. GRCh37 (hg19) VCF-style: chr3-48611919-A-G.
Identifiers: ClinVar variation 2055340 (VCV002055340.4), dbSNP rs2530947238, ClinGen allele CA352658238.